The following is an entry in ClinVar:

ClinVar aggregate classification (germline): Pathogenic. Review status: criteria provided, single submitter (1 of 4 stars). 2 submissions from 2 submitters: Pathogenic (1). 1 of the submissions does not count toward it. Last evaluated 2014-11-13.

Conditions:
Cardiovascular phenotype. Identifiers: MedGen CN230736.
Legius syndrome. Identifiers: Orphanet 137605, MedGen C1969623, MONDO:0012669, OMIM 611431. Disease mechanism: loss of function.

Submissions (2):

Ambry Genetics
Classification: Pathogenic for Cardiovascular phenotype. Last evaluated: 2014-11-13. Review status: criteria provided, single submitter. Criteria: Ambry Variant Classification Scheme 2023. Collection method: clinical testing. Allele origin: germline.
Comment: The c.1045_1046delAG pathogenic mutation, located in coding exon 7 of the SPRED1 gene, results from a deletion of two nucleotides between nucleotide positions 1045 and 1046, causing a translational frameshift with a predicted alternate stop codon. This mutation has been seen in two families, in which all eight of the affected individuals had cafe au lait spots, while some, but not all, had learning and speech difficulties, as well as motor disturbances (Denayer E, et al. Hum. Mutat. 2011 Jan; 32(1):E1985-98. Laycock-van Spyk S, et al. Clin. Genet. 2011 Jul; 80(1):93-6). In addition to the clinical data presented in the literature, since frameshifts are typically deleterious in nature, this alteration is interpreted as a disease-causing mutation (ACMG Recommendations for Standards for Interpretation and Reporting of Sequence Variations. Revision 2007. Genet Med. 2008;10:294).

OMIM
Classification: Pathogenic for LEGIUS SYNDROME. Last evaluated: 2011-07-01. Review status: no assertion criteria provided. Collection method: literature only. Allele origin: germline. Not counted in ClinVar's aggregate classification.

Literature cited by the submitters: PubMed 21089071 (cited by Ambry Genetics); PubMed 21649642 (cited by Ambry Genetics and OMIM).

NM_152594.3(SPRED1):c.1045_1046del (p.Arg349fs)

Gene: SPRED1 (sprouty related EVH1 domain containing 1; plus strand). Cytogenetic location: 15q14.
Variant type: Deletion.
Coding change: c.1045_1046del on transcript NM_152594.3 (MANE Select); coding-DNA positions 1045 to 1046, 2 bases deleted (AG; older notation c.1045_1046delAG).
Protein change: p.Arg349fs; shifts the reading frame from arginine 349.
Molecular consequence: frameshift variant.
Genome position (GRCh38, 1-based): chr15:38,351,374-38,351,375, AG deleted. VCF-style (leftmost placement, unchanged base first): chr15-38351373-TAG-T. GRCh37 (hg19) VCF-style: chr15-38643574-TAG-T.
Other names: short protein forms R349fs.
Identifiers: ClinVar variation 30784 (VCV000030784.3), dbSNP rs1566876941, ClinGen allele CA658761250.